The following is an entry in ClinVar:

ClinVar aggregate classification (germline): Uncertain significance (1 of 4 stars; one submission).

Conditions:
Hereditary cancer-predisposing syndrome. Also called: Neoplastic Syndromes, Hereditary; Tumor predisposition; Hereditary Cancer Syndrome; Hereditary neoplastic syndrome. Identifiers: Orphanet 140162, MedGen C0027672, MeSH D009386, MONDO:0015356.

Submission:

Ambry Genetics
Classification: Uncertain significance for Hereditary cancer-predisposing syndrome. Last evaluated: 2020-09-29. Review status: criteria provided, single submitter. Criteria: Ambry Variant Classification Scheme 2023. Collection method: clinical testing. Allele origin: germline.
Comment: The p.N211I variant (also known as c.632A>T), located in coding exon 3 of the PHOX2B gene, results from an A to T substitution at nucleotide position 632. The asparagine at codon 211 is replaced by isoleucine, an amino acid with dissimilar properties. This amino acid position is poorly conserved in available vertebrate species. In addition, this alteration is predicted to be tolerated by in silico analysis. Since supporting evidence is limited at this time, the clinical significance of this alteration remains unclear.

NM_003924.4(PHOX2B):c.632A>T (p.Asn211Ile)

Gene: PHOX2B (paired like homeobox 2B; minus strand). Cytogenetic location: 4p13.
Variant type: single nucleotide variant.
Coding change: c.632A>T on transcript NM_003924.4 (MANE Select); coding-DNA position 632, A replaced by T.
Protein change: p.Asn211Ile; replaces asparagine 211 with isoleucine.
Molecular consequence: missense variant.
Genome position (GRCh38, 1-based): chr4:41,746,120, T>A on the plus strand (A>T on the coding strand, the complement: PHOX2B is on the minus strand). VCF-style: chr4-41746120-T-A. GRCh37 (hg19) VCF-style: chr4-41748137-T-A.
Other names: short protein forms N211I.
Identifiers: ClinVar variation 1752884 (VCV001752884.2), dbSNP rs1733890628, ClinGen allele CA356737593.
Genomic context (GRCh38, chr4:41,746,120, plus strand): 5'-CCCCCGGGCCCCGCCGCCCCCGGAGCTCCAGCCGGGCTGGGCCCGCCGCCGCCGCCTCCA[T>A]TCGCCCCGCAGCTGGGGGTGGGGTTGGGATTGGGACCTGGGCCCCCAGTGCTGTCCGGGT-3'
Protein context (NP_003915.2, residues 201-221): NPNPTPSCGA[Asn211Ile]GGGGGGPSPA